The following is an entry in ClinVar:

NM_006565.4(CTCF):c.1814del (p.Lys605fs)

Gene: CTCF (CCCTC-binding factor; plus strand). Cytogenetic location: 16q22.1.
Variant type: Deletion.
Coding change: c.1814del on transcript NM_006565.4 (MANE Select); coding-DNA position 1814, one base deleted (A; older notation c.1814delA).
Protein change: p.Lys605fs; shifts the reading frame from lysine 605.
Molecular consequence: frameshift variant.
Genome position (GRCh38, 1-based): chr16:67,629,510, A deleted; the last of 2 consecutive A bases (chr16:67,629,509-67,629,510); deleting either gives the same sequence. VCF-style (leftmost placement, unchanged base first): chr16-67629508-TA-T. GRCh37 (hg19) VCF-style: chr16-67663411-TA-T.
Other names: c.830del, p.Lys277fs (NM_001191022.2); c.1814delA, p.Lys605Argfs (NM_001363916.2); short protein forms K277fs, K605fs.
Identifiers: ClinVar variation 422876 (VCV000422876.2), dbSNP rs1064796062, ClinGen allele CA16620220.
Genomic context (GRCh38, chr16:67,629,508, plus strand): 5'-GGGGGAAAATGGAGGAGAAACGAAGAAGAGTAAACGTGGAAGAAAAAGAAAGATGCGCTC[TA>T]AGAAAGAAGATTCCTCTGACAGTGGTAAGTGACTTGTTCCTTGATTTGCTTACTATGGCA-3'

ClinVar aggregate classification (germline): Pathogenic (1 of 4 stars; one submission).

Submission:

GeneDx
Classification: Pathogenic. Last evaluated: 2016-12-28. Review status: criteria provided, single submitter. Criteria: GeneDx Variant Classification (06012015). Collection method: clinical testing. Allele origin: germline. Affected: yes.
Comment: The de novo c.1814delA variant in the CTCF gene has not been reported previously as a pathogenic variant nor as a benign variant, to our knowledge. The c.1814delA variant causes a frameshift starting with codon Lysine 605, changes this amino acid to an Arginine residue, and creates a premature Stop codon at position 26 of the new reading frame, denoted p.Lys605ArgfsX26. This variant is predicted to cause loss of normal protein function either through protein truncation or nonsense-mediated mRNA decay. The c.1814delA variant was not observed in approximately 6500 individuals of European and African American ancestry in the NHLBI Exome Sequencing Project, indicating it is not a common benign variant in these populations. We interpret c.1814delA as a pathogenic variant.